The following is an entry in ClinVar:

NM_018263.6(ASXL2):c.712G>A (p.Val238Met)

Gene: ASXL2 (ASXL transcriptional regulator 2; minus strand). Cytogenetic location: 2p23.3.
Variant type: single nucleotide variant.
Coding change: c.712G>A on transcript NM_018263.6 (MANE Select); coding-DNA position 712, G replaced by A.
Protein change: p.Val238Met; replaces valine 238 with methionine.
Molecular consequence: missense variant. On other transcripts: 5 prime UTR variant (1).
Genome position (GRCh38, 1-based): chr2:25,767,646, C>T on the plus strand (G>A on the coding strand, the complement: ASXL2 is on the minus strand). VCF-style: chr2-25767646-C-T. GRCh37 (hg19) VCF-style: chr2-25990515-C-T.
Other names: c.538G>A, p.Val180Met (NM_001369346.1); c.-69G>A (NM_001369347.1); c.712G>A (NM_018263.4); short protein forms V238M, V180M.
Identifiers: ClinVar variation 2778736 (VCV002778736.4), dbSNP rs1030508861, ClinGen allele CA43716252.

ClinVar aggregate classification (germline): Uncertain significance. Review status: criteria provided, multiple submitters, no conflicts (2 of 4 stars). 2 submissions from 2 submitters: Uncertain significance (2). Last evaluated 2025-08-22.

Conditions:
Inborn genetic diseases. Identifiers: MedGen C0950123, MeSH D030342.

Allele frequency attached by ClinVar (database versions not stated): TOPMed below 0.00001; gnomAD exomes 0.00001.
gnomAD v4.1: 7 of 1,613,958 alleles (0.00043%); highest among the groups gnomAD compares: Non-Finnish European, 0.00059%; no homozygotes.

Submissions (2):

Ambry Genetics
Classification: Uncertain significance for Inborn genetic diseases. Last evaluated: 2025-08-22. Review status: criteria provided, single submitter. Criteria: Ambry Variant Classification Scheme 2023. Collection method: clinical testing. Allele origin: germline.

Labcorp Genetics (formerly Invitae), Labcorp
Classification: Uncertain significance. Last evaluated: 2024-01-22. Review status: criteria provided, single submitter. Criteria: Invitae Variant Classification Sherloc (09022015). Collection method: clinical testing. Allele origin: germline.
Comment: This sequence change replaces valine, which is neutral and non-polar, with methionine, which is neutral and non-polar, at codon 238 of the ASXL2 protein (p.Val238Met). This variant is not present in population databases (gnomAD no frequency). This variant has not been reported in the literature in individuals affected with ASXL2-related conditions. Advanced modeling of protein sequence and biophysical properties (such as structural, functional, and spatial information, amino acid conservation, physicochemical variation, residue mobility, and thermodynamic stability) performed at Invitae indicates that this missense variant is not expected to disrupt ASXL2 protein function with a negative predictive value of 80%. In summary, the available evidence is currently insufficient to determine the role of this variant in disease. Therefore, it has been classified as a Variant of Uncertain Significance.